The following is an entry in ClinVar:

NM_014975.3(MAST1):c.1158-5T>C

Gene: MAST1 (microtubule associated serine/threonine kinase 1; plus strand). Cytogenetic location: 19p13.13.
Variant type: single nucleotide variant.
Coding change: c.1158-5T>C on transcript NM_014975.3 (MANE Select); 5 bases into the intron before coding-DNA position 1158, T replaced by C.
Molecular consequence: intron variant.
Genome position (GRCh38, 1-based): chr19:12,858,526, T>C. VCF-style: chr19-12858526-T-C. GRCh37 (hg19) VCF-style: chr19-12969340-T-C.
Identifiers: ClinVar variation 3339891 (VCV003339891.1).
Genomic context (GRCh38, chr19:12,858,526, plus strand): 5'-GGGGAGGGTGGCGGAGGCCGGGTGTCTCGGAGGTGACGGCCGGTCCTCGCTCTCTCCCCC[T>C]GCAGCGCTGTCTACCTGGTGCGGCACCGCGACACGCGGCAGCGCTTTGCCATGAAAAAGA-3'

ClinVar aggregate classification (germline): Uncertain significance (1 of 4 stars; one submission).

Submission:

Women's Health and Genetics/Laboratory Corporation of America, LabCorp
Classification: Uncertain significance. Last evaluated: 2024-06-28. Review status: criteria provided, single submitter. Criteria: LabCorp Variant Classification Summary - May 2015. Collection method: clinical testing. Allele origin: germline.
Comment: Variant summary: MAST1 c.1158-5T>C alters a non-conserved nucleotide located close to a canonical splice site and therefore could affect mRNA splicing, leading to a significantly altered protein sequence. Consensus agreement among computation tools predict no significant impact on normal splicing. However, these predictions have yet to be confirmed by functional studies. The variant was absent in 250844 control chromosomes. The available data on variant occurrences in the general population are insufficient to allow any conclusion about variant significance. To our knowledge, no occurrence of c.1158-5T>C in individuals affected with Mega-Corpus Syndrome With Cerebellar Hypoplasia And Cortical Malformations and no experimental evidence demonstrating its impact on protein function have been reported. No submitters have cited clinical-significance assessments for this variant to ClinVar. Based on the evidence outlined above, the variant was classified as uncertain significance.